The following is an entry in ClinVar:

NM_138713.4(NFAT5):c.2348C>T (p.Pro783Leu)

Gene: NFAT5 (nuclear factor of activated T cells 5; plus strand). Cytogenetic location: 16q22.1.
Variant type: single nucleotide variant.
Coding change: c.2348C>T on transcript NM_138713.4 (MANE Select); coding-DNA position 2348, C replaced by T.
Protein change: p.Pro783Leu; replaces proline 783 with leucine.
Molecular consequence: missense variant.
Genome position (GRCh38, 1-based): chr16:69,692,173, C>T. VCF-style: chr16-69692173-C-T. GRCh37 (hg19) VCF-style: chr16-69726076-C-T.
Other names: c.2345C>T, p.Pro782Leu (NM_001113178.3); c.1673C>T, p.Pro558Leu (NM_001367709.1); c.2294C>T, p.Pro765Leu (NM_006599.4); c.2066C>T, p.Pro689Leu (NM_138714.4, NM_173214.3, NM_173215.3); short protein forms P689L, P783L, P558L, P765L, P782L.
Identifiers: ClinVar variation 2079295 (VCV002079295.4), dbSNP rs2544232157, ClinGen allele CA396508686.

ClinVar aggregate classification (germline): Uncertain significance (1 of 4 stars; one submission).

Conditions:
Immunodeficiency. Identifiers: MedGen C0021051, MONDO:0021094, HP:0002721.

Submission:

Labcorp Genetics (formerly Invitae), Labcorp
Classification: Uncertain significance for Immunodeficiency. Last evaluated: 2022-01-11. Review status: criteria provided, single submitter. Criteria: Invitae Variant Classification Sherloc (09022015). Collection method: clinical testing. Allele origin: germline.
Comment: This sequence change replaces proline, which is neutral and non-polar, with leucine, which is neutral and non-polar, at codon 689 of the NFAT5 protein (p.Pro689Leu). In summary, the available evidence is currently insufficient to determine the role of this variant in disease. Therefore, it has been classified as a Variant of Uncertain Significance. Algorithms developed to predict the effect of missense changes on protein structure and function are either unavailable or do not agree on the potential impact of this missense change (SIFT: "Deleterious"; PolyPhen-2: "Benign"; Align-GVGD: "Class C0"). This variant has not been reported in the literature in individuals affected with NFAT5-related conditions. This variant is not present in population databases (gnomAD no frequency).